The following is an entry in ClinVar:

ClinVar aggregate classification (germline): Uncertain significance (1 of 4 stars; one submission).

Conditions:
Peroxisome biogenesis disorder 7A (Zellweger). Also called: Peroxisome biogenesis disorder 7A. Identifiers: Orphanet 912, MedGen C3888385, MONDO:0013938, OMIM 614872.
Peroxisome biogenesis disorder 7B (PBD7B). Identifiers: Orphanet 44, MedGen C3553951, MONDO:0013939, OMIM 614873.

Allele frequency attached by ClinVar (database versions not stated): TOPMed 0.00002; gnomAD 0.00002.

Submission:

Labcorp Genetics (formerly Invitae), Labcorp
Classification: Uncertain significance for Peroxisome biogenesis disorder 7A (Zellweger); Peroxisome biogenesis disorder 7B. Last evaluated: 2022-09-19. Review status: criteria provided, single submitter. Criteria: Invitae Variant Classification Sherloc (09022015). Collection method: clinical testing. Allele origin: germline.
Comment: This sequence change replaces proline, which is neutral and non-polar, with serine, which is neutral and polar, at codon 18 of the PEX26 protein (p.Pro18Ser). The frequency data for this variant in the population databases is considered unreliable, as metrics indicate poor data quality at this position in the gnomAD database. This variant has not been reported in the literature in individuals affected with PEX26-related conditions. ClinVar contains an entry for this variant (Variation ID: 1469588). Algorithms developed to predict the effect of missense changes on protein structure and function are either unavailable or do not agree on the potential impact of this missense change (SIFT: "Tolerated"; PolyPhen-2: "Possibly Damaging"; Align-GVGD: "Class C0"). In summary, the available evidence is currently insufficient to determine the role of this variant in disease. Therefore, it has been classified as a Variant of Uncertain Significance.

NM_001127649.3(PEX26):c.52C>T (p.Pro18Ser)

Gene: PEX26 (peroxisomal biogenesis factor 26; plus strand). Cytogenetic location: 22q11.21.
Variant type: single nucleotide variant.
Coding change: c.52C>T on transcript NM_001127649.3 (MANE Select); coding-DNA position 52, C replaced by T.
Protein change: p.Pro18Ser; replaces proline 18 with serine.
Molecular consequence: missense variant.
Genome position (GRCh38, 1-based): chr22:18,078,428, C>T. VCF-style: chr22-18078428-C-T. GRCh37 (hg19) VCF-style: chr22-18561194-C-T.
Other names: c.52C>T, p.Pro18Ser (NM_001199319.2, NM_017929.6); short protein forms P18S.
Identifiers: ClinVar variation 1469588 (VCV001469588.5), dbSNP rs924635830, ClinGen allele CA321284316.